The following is an entry in ClinVar:

NM_000521.4(HEXB):c.1076_1079delinsCTGTCTCTTATACACATC (p.Lys359fs)

Gene: HEXB (hexosaminidase subunit beta; plus strand). Cytogenetic location: 5q13.3.
Variant type: Indel.
Coding change: c.1076_1079delinsCTGTCTCTTATACACATC on transcript NM_000521.4 (MANE Select); coding-DNA positions 1076 to 1079, AATG replaced by CTGTCTCTTATACACATC.
Protein change: p.Lys359fs; shifts the reading frame from lysine 359.
Molecular consequence: frameshift variant.
Genome position (GRCh38, 1-based): chr5:74,715,684-74,715,687, AATG replaced by CTGTCTCTTATACACATC. VCF-style: chr5-74715684-AATG-CTGTCTCTTATACACATC. GRCh37 (hg19) VCF-style: chr5-74011509-AATG-CTGTCTCTTATACACATC.
Other names: c.401_404delinsCTGTCTCTTATACACATC, p.Lys134fs (NM_001292004.2); short protein forms K134fs, K359fs.
Identifiers: ClinVar variation 5011497 (VCV005011497.1).

ClinVar aggregate classification (germline): Pathogenic (1 of 4 stars; one submission).

Conditions:
Sandhoff disease. Also called: GM2-GANGLIOSIDOSIS, TYPE II; HEXOSAMINIDASES A AND B DEFICIENCY; Beta-hexosaminidase-beta-subunit deficiency; GM2 gangliosidosis, type 2; Total hexosaminidase deficiency; Sandhoff-Jatzkewitz-Pilz disease. Identifiers: Orphanet 796, MedGen C0036161, MONDO:0010006, OMIM 268800.

Submission:

Myriad Genetics, Inc.
Classification: Pathogenic for Sandhoff disease. Last evaluated: 2023-08-31. Review status: criteria provided, single submitter. Criteria: Myriad Autosomal Dominant, Autosomal Recessive and X-Linked Classification Criteria (2023). Collection method: clinical testing. Allele origin: unknown.
Comment: NM_000521.3(HEXB):c.1076_1079del4ins18(K359Tfs*18) is expected to be pathogenic in the context of Sandhoff disease. This variant is predicted to lead to an abnormal or absent protein product due to the creation of a premature termination codon in HEXB, a gene where loss-of-function variants are known to be pathogenic. Please note: this variant was assessed in the context of healthy population screening.